The following is an entry in ClinVar:

ClinVar aggregate classification (germline): Conflicting classifications of pathogenicity. Review status: criteria provided, conflicting classifications (1 of 4 stars). 3 submissions from 3 submitters: Uncertain significance (2); Benign (1). Last evaluated 2026-09-10.

Conditions:
Familial thoracic aortic aneurysm and aortic dissection (TAAD). Also called: Thoracic aortic aneurysms and dissections. Identifiers: Orphanet 91387, MedGen C4707243, MONDO:0019625.
Heterotopia, periventricular, X-linked dominant (PVNH1). Also called: PERIVENTRICULAR NODULAR HETEROTOPIA 1; X-linked periventricular heterotopia; PERIVENTRICULAR NODULAR HETEROTOPIA 4; HETEROTOPIA, PERIVENTRICULAR, 1. Identifiers: Orphanet 2149, Orphanet 82004, MedGen C1848213, MONDO:0010233, OMIM 300049.
Oto-palato-digital syndrome, type II (OPD2). Also called: Otopalatodigital Syndrome, Type II; FACIOPALATOOSSEOUS SYNDROME; OPD II SYNDROME; Otopalatodigital Syndrome Type 2 (FLNA-OPD2). Identifiers: Orphanet 669, Orphanet 90652, MedGen C1844696, MONDO:0010571, OMIM 304120.
Frontometaphyseal dysplasia (FMD1). Identifiers: Orphanet 1826, MedGen C0265293, MONDO:0015942.
Melnick-Needles syndrome (MNS). Also called: MELNICK-NEEDLES OSTEODYSPLASTY; OSTEODYSPLASTY OF MELNICK AND NEEDLES; Melnick-Needles Syndrome (FLNA-MNS). Identifiers: Orphanet 2484, MedGen C0025237, MONDO:0010650, OMIM 309350.

Allele frequency attached by ClinVar (database versions not stated): ExAC 0.00001; gnomAD exomes 0.00001 and 0.00002; gnomAD 0.00003 and 0.00004; TOPMed 0.00005.
gnomAD v4.1: 24 of 1,209,659 alleles (0.002%); highest among the groups gnomAD compares: African/African-American, 0.007%; no homozygotes.

Submissions (3):

Ambry Genetics
Classification: Uncertain significance for Familial thoracic aortic aneurysm and aortic dissection. Last evaluated: 2026-09-10. Review status: criteria provided, single submitter. Criteria: Ambry Variant Classification Scheme 2023. Collection method: clinical testing. Allele origin: germline.

Labcorp Genetics (formerly Invitae), Labcorp
Classification: Benign for Oto-palato-digital syndrome, type II; Heterotopia, periventricular, X-linked dominant; Frontometaphyseal dysplasia; Melnick-Needles syndrome. Last evaluated: 2025-08-29. Review status: criteria provided, single submitter. Criteria: Invitae Variant Classification Sherloc (09022015). Collection method: clinical testing. Allele origin: germline.

GeneDx
Classification: Uncertain significance. Last evaluated: 2023-02-26. Review status: criteria provided, single submitter. Criteria: GeneDx Variant Classification Process June 2021. Collection method: clinical testing. Allele origin: germline. Affected: yes.
Comment: Has not been previously published as pathogenic or benign to our knowledge; In silico analysis supports that this missense variant has a deleterious effect on protein structure/function

NM_001110556.2(FLNA):c.3985C>T (p.His1329Tyr)

Gene: FLNA (filamin A; minus strand). Cytogenetic location: Xq28.
Variant type: single nucleotide variant.
Coding change: c.3985C>T on transcript NM_001110556.2 (MANE Select); coding-DNA position 3985, C replaced by T.
Protein change: p.His1329Tyr; replaces histidine 1329 with tyrosine.
Molecular consequence: missense variant.
Genome position (GRCh38, 1-based): chrX:154,359,641, G>A on the plus strand (C>T on the coding strand, the complement: FLNA is on the minus strand). VCF-style: chrX-154359641-G-A. GRCh37 (hg19) VCF-style: chrX-153588009-G-A.
Other names: c.3985C>T, p.His1329Tyr (NM_001456.4); short protein forms H1329Y.
Identifiers: ClinVar variation 464986 (VCV000464986.17), dbSNP rs782746289, ClinGen allele CA10560616.